The following is an entry in ClinVar:

ClinVar aggregate classification (germline): Uncertain significance (1 of 4 stars; one submission).

Conditions:
Catecholaminergic polymorphic ventricular tachycardia 1. Also called: VENTRICULAR TACHYCARDIA, CATECHOLAMINERGIC POLYMORPHIC, 1, WITH OR WITHOUT ATRIAL DYSFUNCTION AND/OR DILATED CARDIOMYOPATHY; RYR2-Related Catecholaminergic Polymorphic Ventricular Tachycardia; VENTRICULAR TACHYCARDIA, STRESS-INDUCED POLYMORPHIC 1. Identifiers: Orphanet 3286, MedGen C1631597, MONDO:0011484, OMIM 604772.

Allele frequency attached by ClinVar (database versions not stated): gnomAD exomes below 0.00001.
gnomAD v4.1: 1 of 1,609,964 alleles (0.000062%); highest among the groups gnomAD compares: Non-Finnish European, 0.000085%; no homozygotes.

Submission:

Labcorp Genetics (formerly Invitae), Labcorp
Classification: Uncertain significance for Catecholaminergic polymorphic ventricular tachycardia 1. Last evaluated: 2022-03-19. Review status: criteria provided, single submitter. Criteria: Invitae Variant Classification Sherloc (09022015). Collection method: clinical testing. Allele origin: germline.
Comment: This sequence change affects a donor splice site in intron 24 of the TRDN gene. It is expected to disrupt RNA splicing. Variants that disrupt the donor or acceptor splice site typically lead to a loss of protein function (PMID: 16199547), however the current clinical and genetic evidence is not sufficient to establish whether loss-of-function variants in TRDN cause disease. In summary, the available evidence is currently insufficient to determine the role of this variant in disease. Therefore, it has been classified as a Variant of Uncertain Significance. Algorithms developed to predict the effect of sequence changes on RNA splicing suggest that this variant may disrupt the consensus splice site. This variant has not been reported in the literature in individuals affected with TRDN-related conditions. This variant is present in population databases (no rsID available, gnomAD 0.0009%).

Literature cited by the submitters: PubMed 16199547.

NM_006073.4(TRDN):c.1510+1G>C

Gene: TRDN (triadin; minus strand). Cytogenetic location: 6q22.31.
Variant type: single nucleotide variant.
Coding change: c.1510+1G>C on transcript NM_006073.4 (MANE Select); the canonical splice donor site of the intron after coding-DNA position 1510, G replaced by C.
Molecular consequence: splice donor variant.
Genome position (GRCh38, 1-based): chr6:123,316,456, C>G on the plus strand (G>C on the coding strand, the complement: TRDN is on the minus strand). VCF-style: chr6-123316456-C-G. GRCh37 (hg19) VCF-style: chr6-123637601-C-G.
Identifiers: ClinVar variation 2114635 (VCV002114635.4), dbSNP rs1434302113, ClinGen allele CA365562458.